The following is an entry in ClinVar:

NM_012414.4(RAB3GAP2):c.2962G>A (p.Asp988Asn)

Gene: RAB3GAP2 (RAB3 GTPase activating non-catalytic protein subunit 2; minus strand). Cytogenetic location: 1q41.
Variant type: single nucleotide variant.
Coding change: c.2962G>A on transcript NM_012414.4 (MANE Select); coding-DNA position 2962, G replaced by A.
Protein change: p.Asp988Asn; replaces aspartic acid 988 with asparagine.
Molecular consequence: missense variant.
Genome position (GRCh38, 1-based): chr1:220,167,520, C>T on the plus strand (G>A on the coding strand, the complement: RAB3GAP2 is on the minus strand). VCF-style: chr1-220167520-C-T. GRCh37 (hg19) VCF-style: chr1-220340862-C-T.
Other names: p.Asp988Asn; short protein forms D988N.
Identifiers: ClinVar variation 1491671 (VCV001491671.4), dbSNP rs369645487, ClinGen allele CA1402307.

ClinVar aggregate classification (germline): Uncertain significance. Review status: criteria provided, multiple submitters, no conflicts (2 of 4 stars). 2 submissions from 2 submitters: Uncertain significance (2). Last evaluated 2025-05-23.

Conditions:
Martsolf syndrome (MARTS). Also called: Congenital cataract with intellectual disability and hypogonadotropic hypogonadism syndrome. Identifiers: Orphanet 1387, MedGen C0796037, MONDO:0023910.
Warburg micro syndrome 2 (WARBM2). Also called: MICRO SYNDROME 2. Identifiers: Orphanet 2510, MedGen C3280214, MONDO:0013641, OMIM 614225.

Allele frequency attached by ClinVar (database versions not stated): ExAC 0.00002; gnomAD 0.00003 and 0.00004; gnomAD exomes 0.00003 and 0.00010; TOPMed 0.00004; ESP Exome Variant Server 0.00015.
gnomAD v4.1: 147 of 1,614,014 alleles (0.0091%); highest among the groups gnomAD compares: Non-Finnish European, 0.012%; no homozygotes.

Submissions (2):

Mayo Clinic Laboratories, Mayo Clinic
Classification: Uncertain significance. Last evaluated: 2025-05-23. Review status: criteria provided, single submitter. Criteria: ACMG Guidelines, 2015. Collection method: clinical testing. Allele origin: germline. Observed: 1 variant allele.
Comment: BP4_moderate

Labcorp Genetics (formerly Invitae), Labcorp
Classification: Uncertain significance for Martsolf syndrome; Warburg micro syndrome 2. Last evaluated: 2022-05-04. Review status: criteria provided, single submitter. Criteria: Invitae Variant Classification Sherloc (09022015). Collection method: clinical testing. Allele origin: germline.
Comment: This sequence change replaces aspartic acid, which is acidic and polar, with asparagine, which is neutral and polar, at codon 988 of the RAB3GAP2 protein (p.Asp988Asn). This variant is present in population databases (rs369645487, gnomAD 0.008%). This variant has not been reported in the literature in individuals affected with RAB3GAP2-related conditions. Algorithms developed to predict the effect of missense changes on protein structure and function output the following: SIFT: "Tolerated"; PolyPhen-2: "Benign"; Align-GVGD: "Class C0". The asparagine amino acid residue is found in multiple mammalian species, which suggests that this missense change does not adversely affect protein function. In summary, the available evidence is currently insufficient to determine the role of this variant in disease. Therefore, it has been classified as a Variant of Uncertain Significance.